The following is an entry in ClinVar:

NM_000081.4(LYST):c.3455T>C (p.Ile1152Thr)

Gene: LYST (lysosomal trafficking regulator; minus strand). Cytogenetic location: 1q42.3.
Variant type: single nucleotide variant.
Coding change: c.3455T>C on transcript NM_000081.4 (MANE Select); coding-DNA position 3455, T replaced by C.
Protein change: p.Ile1152Thr; replaces isoleucine 1152 with threonine.
Molecular consequence: missense variant.
Genome position (GRCh38, 1-based): chr1:235,804,604, A>G on the plus strand (T>C on the coding strand, the complement: LYST is on the minus strand). VCF-style: chr1-235804604-A-G. GRCh37 (hg19) VCF-style: chr1-235967904-A-G.
Other names: c.3455T>C, p.Ile1152Thr (NM_001301365.1); short protein forms I1152T.
Identifiers: ClinVar variation 934611 (VCV000934611.9), dbSNP rs2527054948, ClinGen allele CA344948963.

ClinVar aggregate classification (germline): Uncertain significance (1 of 4 stars; one submission).

Conditions:
Chédiak-Higashi syndrome (CHS). Also called: Chediak-Higashi Syndrome. Identifiers: Orphanet 167, MedGen C0007965, MONDO:0008963, OMIM 214500.

Submission:

Labcorp Genetics (formerly Invitae), Labcorp
Classification: Uncertain significance for Chédiak-Higashi syndrome. Last evaluated: 2025-06-02. Review status: criteria provided, single submitter. Criteria: Invitae Variant Classification Sherloc (09022015). Collection method: clinical testing. Allele origin: germline.
Comment: This sequence change replaces isoleucine, which is neutral and non-polar, with threonine, which is neutral and polar, at codon 1152 of the LYST protein (p.Ile1152Thr). This variant is not present in population databases (gnomAD no frequency). This variant has not been reported in the literature in individuals affected with LYST-related conditions. ClinVar contains an entry for this variant (Variation ID: 934611). Invitae Evidence Modeling of protein sequence and biophysical properties (such as structural, functional, and spatial information, amino acid conservation, physicochemical variation, residue mobility, and thermodynamic stability) indicates that this missense variant is not expected to disrupt LYST protein function with a negative predictive value of 80%. In summary, the available evidence is currently insufficient to determine the role of this variant in disease. Therefore, it has been classified as a Variant of Uncertain Significance.